The following is an entry in ClinVar:

ClinVar aggregate classification (germline): Pathogenic. Review status: no assertion criteria provided (0 of 4 stars). 2 submissions from 2 submitters: Pathogenic (1). 1 of the submissions does not count toward it. Last evaluated 2000-02-14.

Conditions:
Child syndrome. Also called: CHILD (Congenital Hemidysplasia with Ichthyosiform Nevus and Limb Defects) Syndrome. Identifiers: Orphanet 139, MedGen C0265267, MONDO:0010621, OMIM 308050.

Submissions (2):

OMIM
Classification: Pathogenic for CHILD SYNDROME. Last evaluated: 2000-02-14. Review status: no assertion criteria provided. Collection method: literature only. Allele origin: germline.

GeneReviews
No classification provided. Condition: Child syndrome. Review status: no classification provided. Collection method: clinical testing. Allele origin: germline. Not counted in ClinVar's aggregate classification.

Literature cited by the submitters: PubMed 10710235 (cited by OMIM and GeneReviews); PubMed 15689440 (cited by GeneReviews).

NM_015922.3(NSDHL):c.262C>T (p.Arg88Ter)

Gene: NSDHL (NAD(P) dependent 3-beta-hydroxysteroid dehydrogenase NSDHL; plus strand). Cytogenetic location: Xq28.
Variant type: single nucleotide variant.
Coding change: c.262C>T on transcript NM_015922.3 (MANE Select); coding-DNA position 262, C replaced by T.
Protein change: p.Arg88Ter; replaces arginine 88 with a stop codon.
Molecular consequence: nonsense.
Genome position (GRCh38, 1-based): chrX:152,850,418, C>T. VCF-style: chrX-152850418-C-T. GRCh37 (hg19) VCF-style: chrX-152018962-C-T.
Other names: c.262C>T, p.Arg88Ter (NM_001129765.2); short protein forms R88*.
Identifiers: ClinVar variation 11429 (VCV000011429.4), dbSNP rs104894903, ClinGen allele CA341092.